The following is an entry in ClinVar:

ClinVar aggregate classification (germline): Uncertain significance. Review status: criteria provided, multiple submitters, no conflicts (2 of 4 stars). 3 submissions from 3 submitters: Uncertain significance (3). Last evaluated 2025-07-07.

Conditions:
Inborn genetic diseases. Identifiers: MedGen C0950123, MeSH D030342.
Muscular dystrophy-dystroglycanopathy (congenital with brain and eye anomalies), type A2. Also called: MUSCULAR DYSTROPHY-DYSTROGLYCANOPATHY (CONGENITAL WITH BRAIN AND EYE ANOMALIES), TYPE A, 2; WALKER-WARBURG SYNDROME OR MUSCLE-EYE-BRAIN DISEASE, POMT2-RELATED. Identifiers: Orphanet 588, Orphanet 899, MedGen C3150411, MONDO:0013154, OMIM 613150.
Muscular dystrophy-dystroglycanopathy (congenital with impaired intellectual development), type B, 2. Also called: MUSCULAR DYSTROPHY, CONGENITAL, POMT2-RELATED; Muscular dystrophy-dystroglycanopathy (congenital with intellectual disability), type B2. Identifiers: MedGen C3150416, MONDO:0013160, OMIM 613156.
Autosomal recessive limb-girdle muscular dystrophy type 2N. Also called: MUSCULAR DYSTROPHY-DYSTROGLYCANOPATHY, LIMB-GIRDLE, POMT2-RELATED; Muscular dystrophy-dystroglycanopathy (limb-girdle), type C, 2. Identifiers: Orphanet 206559, MedGen C3150418, MONDO:0013162, OMIM 613158.

Allele frequency attached by ClinVar (database versions not stated): TOPMed 0.00007; ExAC 0.00010; gnomAD exomes 0.00009 and 0.00007; gnomAD 0.00004 and 0.00006.
gnomAD v4.1: 104 of 1,590,540 alleles (0.0065%); highest among the groups gnomAD compares: Non-Finnish European, 0.0085%; no homozygotes.

Submissions (3):

Revvity Omics, Revvity
Classification: Uncertain significance. Last evaluated: 2025-07-07. Review status: criteria provided, single submitter. Criteria: ACMG Guidelines, 2015. Collection method: clinical testing. Allele origin: germline.

Ambry Genetics
Classification: Uncertain significance for Inborn genetic diseases. Last evaluated: 2025-03-30. Review status: criteria provided, single submitter. Criteria: Ambry Variant Classification Scheme 2023. Collection method: clinical testing. Allele origin: germline.

Labcorp Genetics (formerly Invitae), Labcorp
Classification: Uncertain significance for Muscular dystrophy-dystroglycanopathy (congenital with impaired intellectual development), type B, 2; Muscular dystrophy-dystroglycanopathy (congenital with brain and eye anomalies), type A2; Autosomal recessive limb-girdle muscular dystrophy type 2N. Last evaluated: 2024-10-28. Review status: criteria provided, single submitter. Criteria: Invitae Variant Classification Sherloc (09022015). Collection method: clinical testing. Allele origin: germline.
Comment: This sequence change replaces cysteine, which is neutral and slightly polar, with arginine, which is basic and polar, at codon 21 of the POMT2 protein (p.Cys21Arg). This variant is present in population databases (rs767316912, gnomAD 0.01%). This variant has not been reported in the literature in individuals affected with POMT2-related conditions. ClinVar contains an entry for this variant (Variation ID: 846006). An algorithm developed to predict the effect of missense changes on protein structure and function (PolyPhen-2) suggests that this variant¬¨‚Ä†is likely to be tolerated. In summary, the available evidence is currently insufficient to determine the role of this variant in disease. Therefore, it has been classified as a Variant of Uncertain Significance.

NM_013382.7(POMT2):c.61T>C (p.Cys21Arg)

Gene: POMT2 (protein O-mannosyltransferase 2; minus strand). Cytogenetic location: 14q24.3.
Variant type: single nucleotide variant.
Coding change: c.61T>C on transcript NM_013382.7 (MANE Select); coding-DNA position 61, T replaced by C.
Protein change: p.Cys21Arg; replaces cysteine 21 with arginine.
Molecular consequence: missense variant.
Genome position (GRCh38, 1-based): chr14:77,320,621, A>G on the plus strand (T>C on the coding strand, the complement: POMT2 is on the minus strand). VCF-style: chr14-77320621-A-G. GRCh37 (hg19) VCF-style: chr14-77786964-A-G.
Other names: short protein forms C21R.
Identifiers: ClinVar variation 846006 (VCV000846006.11), dbSNP rs767316912, ClinGen allele CA7286288.
Genomic context (GRCh38, chr14:77,320,621, plus strand): 5'-TTCGCGCCACAGCCTCAGCGGCCACGTCCCGGCCTGCGGCCCTAGCAGCCTGGGGGCCAC[A>G]GCGGCCCCTCCGGGGACGCAGCTCGGACTCTGCCAGGCCTCCGCCCGTGGCCGGCGGCAT-3'
Protein context (NP_037514.2, residues 11-31): ESELRPRRGR[Cys21Arg]GPQAARAAGR